The following is an entry in ClinVar:

ClinVar aggregate classification (germline): Uncertain significance (1 of 4 stars; one submission).

Submission:

Women's Health and Genetics/Laboratory Corporation of America, LabCorp
Classification: Uncertain significance. Last evaluated: 2023-12-13. Review status: criteria provided, single submitter. Criteria: LabCorp Variant Classification Summary - May 2015. Collection method: clinical testing. Allele origin: germline.
Comment: Variant summary: COL4A3 c.525G>T (p.Leu175Phe) results in a non-conservative amino acid change in the encoded protein sequence. Three of five in-silico tools predict a benign effect of the variant on protein function. The variant was absent in 249304 control chromosomes. The available data on variant occurrences in the general population are insufficient to allow any conclusion about variant significance. To our knowledge, no occurrence of c.525G>T in individuals affected with COL4A3-related conditions and no experimental evidence demonstrating its impact on protein function have been reported. No submitters have cited clinical-significance assessments for this variant to ClinVar after 2014. Based on the evidence outlined above, the variant was classified as uncertain significance.

NM_000091.5(COL4A3):c.525G>T (p.Leu175Phe)

Genes: COL4A3 (collagen type IV alpha 3 chain; plus strand), MFF-DT (MFF divergent transcript; minus strand). Cytogenetic location: 2q36.3.
Variant type: single nucleotide variant.
Coding change: c.525G>T on transcript NM_000091.5 (MANE Select); coding-DNA position 525, G replaced by T.
Protein change: p.Leu175Phe; replaces leucine 175 with phenylalanine.
Molecular consequence: missense variant.
Genome position (GRCh38, 1-based): chr2:227,248,499, G>T. VCF-style: chr2-227248499-G-T. GRCh37 (hg19) VCF-style: chr2-228113215-G-T.
Other names: short protein forms L175F.
Identifiers: ClinVar variation 2691654 (VCV002691654.1), dbSNP rs2469524385, ClinGen allele CA350863606.